The following is an entry in ClinVar:

ClinVar aggregate classification (germline): Pathogenic. Review status: criteria provided, multiple submitters, no conflicts (2 of 4 stars). 16 submissions from 16 submitters: Pathogenic (16). Last evaluated 2026-05-29.
ClinVar aggregate classification (oncogenicity): Likely oncogenic (1 of 4 stars; one submission).

Conditions:
RB1-related disorder. Also called: RB1-related condition.
Hereditary retinoblastoma. Identifiers: Orphanet 357027, MedGen C0751483, MONDO:0018160.
Hereditary cancer-predisposing syndrome. Also called: Neoplastic Syndromes, Hereditary; Hereditary Cancer Syndrome; Tumor predisposition; Hereditary neoplastic syndrome. Identifiers: Orphanet 140162, MedGen C0027672, MeSH D009386, MONDO:0015356.
Malignant tumor of urinary bladder. Also called: Urinary bladder cancer; Urinary Bladder Neoplasms; Bladder cancer. Identifiers: MedGen C0005684, MONDO:0001187, OMIM 109800.
Retinoblastoma (RB1). Also called: RETINOBLASTOMA, SOMATIC. Identifiers: Orphanet 790, MedGen C0035335, MeSH D012175, MONDO:0008380, OMIM 180200, HP:0009919. Disease mechanism: loss of function. Inheritance: Both sporadic and heritable forms are tested..
Bone osteosarcoma. Also called: Osteosarcoma, somatic. Identifiers: Orphanet 668, MedGen C0585442, MONDO:0002629, OMIM 259500.
Small cell lung carcinoma. Also called: Lung oat cell carcinoma; Small cell lung cancer; SMALL CELL CANCER OF THE LUNG, SOMATIC. Identifiers: Orphanet 70573, MedGen C0149925, MeSH D055752, MONDO:0008433, OMIM 182280, HP:0030357.
Neoplasm. Also called: Neoplasms; Neoplasm (disease); tumor. Identifiers: MedGen C0027651, MeSH D009369, MONDO:0005070, HP:0002664.

Allele frequency attached by ClinVar (database versions not stated): TOPMed below 0.00001.

Submissions (17):

Diller/Parad Lab, Dana-Farber/Harvard Cancer Center
Classification: Pathogenic for Retinoblastoma. Last evaluated: 2026-05-29. Review status: criteria provided, single submitter. Criteria: ACMG Guidelines, 2015. Collection method: research. Allele origin: germline. Affected: yes.
Comment: It has been classified as Pathogenic using Richards et al (PMID:25741868) based on the following evidence codes: PM2, PVS1, PP5.

Myriad Genetics, Inc.
Classification: Pathogenic for Retinoblastoma. Last evaluated: 2026-02-03. Review status: criteria provided, single submitter. Criteria: Myriad Autosomal Dominant, Autosomal Recessive and X-Linked Classification Criteria (2023). Collection method: clinical testing. Allele origin: unknown.
Comment: This variant is considered pathogenic. This variant creates a termination codon and is predicted to result in premature protein truncation.

Labcorp Genetics (formerly Invitae), Labcorp
Classification: Pathogenic for Retinoblastoma. Last evaluated: 2026-01-28. Review status: criteria provided, single submitter. Criteria: Invitae Variant Classification Sherloc (09022015). Collection method: clinical testing. Allele origin: germline.
Comment: This sequence change creates a premature translational stop signal (p.Arg255*) in the RB1 gene. It is expected to result in an absent or disrupted protein product. Loss-of-function variants in RB1 are known to be pathogenic (PMID: 17096365). This variant is not present in population databases (gnomAD no frequency). This premature translational stop signal has been observed in individuals with retinoblastoma (PMID: 7704558, 22963398, 24225018, 25754945, 27155049). Invitae Evidence Modeling of clinical and family history, age, sex, and reported ancestry of multiple individuals with this RB1 variant has been performed. This variant is expected to be pathogenic with a positive predictive value of at least 99%. This is a validated machine learning model that incorporates the clinical features of 413,071 individuals referred to our laboratory for RB1 testing. ClinVar contains an entry for this variant (Variation ID: 126820). Algorithms developed to predict the effect of sequence changes on RNA splicing suggest that this variant may disrupt the consensus splice site. For these reasons, this variant has been classified as Pathogenic.

Center for Genomic Medicine, Rigshospitalet, Copenhagen University Hospital
Classification: Likely oncogenic for Neoplasm. Last evaluated: 2025-12-29. Review status: criteria provided, single submitter. Criteria: ClinGen/CGC/VICC Guidelines for Oncogenicity, 2022. Collection method: clinical testing. Allele origin: somatic. Affected: yes.

Medical and Scientific Branch, Hong Kong Genome Institute
Classification: Pathogenic for Retinoblastoma. Last evaluated: 2025-12-11. Review status: criteria provided, single submitter. Criteria: ACMG Guidelines, 2015. Collection method: clinical testing. Allele origin: de novo. Affected: yes.

Ramesar Group, Division of Human Genetics, Institute of Infectious Diseases and Molecular Medicine, UCT/MRC Genomic and Precision Medicine Research Unit, University of Cape Town
Classification: Pathogenic for Hereditary retinoblastoma. Last evaluated: 2025-09-17. Review status: criteria provided, single submitter. Criteria: ACMG Guidelines, 2015. Collection method: research. Allele origin: germline. Affected: yes. Observed: 1 variant allele.
Comment: PVS1: Null variant (nonsense) in a gene (RB1) where LOF is a known mechanism of disease PM2: Absent from gnomAD and ExAC PP4: Patient presents with bilateral retinoblastoma PP5: Reported as pathogenic in ClinVar and the LOVD

Genetic Diagnostic Laboratory, University of Pennsylvania School of Medicine
Classification: Pathogenic for Retinoblastoma. Last evaluated: 2024-05-20. Review status: criteria provided, single submitter. Criteria: ACMG Guidelines, 2015. Collection method: clinical testing. Allele origin: germline. Affected: yes. Observed: 16 variant alleles.
Comment: Case and Pedigree Information: BILATERAL CASES:14, UNILATERAL CASES:2, TOTAL CASES:16, PEDIGREES:15. ACMG Codes Applied:PVS1, PM2, PS4M

Ambry Genetics
Classification: Pathogenic for Hereditary cancer-predisposing syndrome. Last evaluated: 2023-07-12. Review status: criteria provided, single submitter. Criteria: Ambry Variant Classification Scheme 2023. Collection method: clinical testing. Allele origin: germline.
Comment: The p.R255* pathogenic mutation (also known as c.763C>T), located in coding exon 8 of the RB1 gene, results from a C to T substitution at nucleotide position 763. This changes the amino acid from an arginine to a stop codon within coding exon 8. This alteration has been reported in multiple individuals with either sporadic or familial retinoblastoma (Zhang L et al. Tumour Biol. 2015 Apr;36:2409-20; Thirumalairaj K et al. J. Hum. Genet. 2015 Sep;60:547-52; Taylor M et al. Hum. Mutat. 2007 Mar;28:284-93; Rushlow D et al. Hum. Mutat. 2009 May;30:842-51; Sagi M et al. Fam. Cancer. 2015 Sep;14:471-80; Blanquet V et al. Hum. Mol. Genet. 1994 Jul;3:1185-6). Some individuals with sporadic retinoblastoma were found to be mosaic for this alteration (Rushlow D et al. Hum. Mutat. 2009 May;30:842-51; Sagi M et al. Fam. Cancer. 2015 Sep;14:471-80). In addition to the clinical data presented in the literature, this alteration is expected to result in loss of function by premature protein truncation or nonsense-mediated mRNA decay. As such, this alteration is interpreted as a disease-causing mutation.

Clinical Genetics Laboratory, Skane University Hospital Lund
Classification: Pathogenic. Last evaluated: 2023-04-27. Review status: criteria provided, single submitter. Criteria: ACMG Guidelines, 2015. Collection method: clinical testing. Allele origin: germline. Affected: yes.

Institute for Clinical Genetics, University Hospital TU Dresden, University Hospital TU Dresden
Classification: Pathogenic. Last evaluated: 2022-10-12. Review status: criteria provided, single submitter. Criteria: ACMG Guidelines, 2015. Collection method: clinical testing. Allele origin: germline.
Comment: PVS1, PS4, PM2_SUP

Genetics and Molecular Pathology, SA Pathology
Classification: Pathogenic for Retinoblastoma. Last evaluated: 2022-06-27. Review status: criteria provided, single submitter. Criteria: ACMG Guidelines, 2015. Collection method: clinical testing. Allele origin: germline. Affected: yes.
Comment: The RB1 c.763C>T variant is classified as Pathogenic (PVS1, PS4_Moderate, PM2) The RB1 c.763C>T variant is a single nucleotide change which is predicted to result in premature termination of the protein product at codon 255 (PVS1). The variant has been reported in probands with a clinical presentation of either sporadic or familial retinoblastoma (PS4_Moderate). This variant is absent from population databases (PM2). The variant has been reported in dbSNP (rs587778842) and in the HGMD database: CM951104. It has been reported as Pathogenic by other diagnostic laboratories (ClinVar Variation ID: 126820).

Blueprint Genetics
Classification: Pathogenic for RB1-related disorders. Last evaluated: 2022-03-16. Review status: criteria provided, single submitter. Criteria: ACMG Guidelines, 2015. Collection method: clinical testing. Allele origin: germline. Affected: yes. Observed: 1 variant allele.

Baylor Genetics
Classification: Pathogenic for Retinoblastoma. Last evaluated: 2021-02-09. Review status: criteria provided, single submitter. Criteria: ACMG Guidelines, 2015. Collection method: clinical testing. Allele origin: unknown. Affected: yes. Study: CSER-TexasKidsCanSeq.
Comment: This variant was determined to be pathogenic according to ACMG Guidelines, 2015 [PMID:25741868].

Department of Pediatrics, Memorial Sloan Kettering Cancer Center
Classification: Pathogenic for Retinoblastoma. Last evaluated: 2020-12-15. Review status: criteria provided, single submitter. Criteria: ACMG Guidelines, 2015. Collection method: research. Allele origin: germline. Affected: yes.

Genetics Program, Instituto Nacional de Cancer
Classification: Pathogenic for Retinoblastoma. Last evaluated: 2020-08-20. Review status: criteria provided, single submitter. Criteria: ACMG Guidelines, 2015. Collection method: research. Allele origin: germline. Affected: yes. Observed: 4 variant alleles.
Comment: Gene panel by NGS. Nonsense variant. Found in paired blood/tumor, allele frequency: blood=0.342/tumor=0.976. Confirmed by Sanger sequencing.

Eurofins Ntd Llc (ga)
Classification: Pathogenic. Last evaluated: 2014-03-24. Review status: criteria provided, single submitter. Criteria: EGL Classification Definitions. Collection method: clinical testing. Allele origin: germline. Observed: 1 variant allele, 1 heterozygote.

Juno Genomics, Hangzhou Juno Genomics, Inc
Classification: Pathogenic for Malignant tumor of urinary bladder; Bone osteosarcoma; Retinoblastoma; Small cell lung carcinoma. Review status: criteria provided, single submitter. Criteria: ACMG Guidelines, 2015. Collection method: clinical testing. Allele origin: germline.
Comment: Absent from controls (or at extremely low frequency if recessive) in Genome Aggregation Database.;Null variant in a gene where loss of function (LOF) is a known mechanism of disease.;The prevalence of the variant in affected individuals is significantly increased compared to the prevalence in controls.;Assumed de novo, but without confirmation of paternity and maternity.

Literature cited by the submitters: PubMed 17096365 (cited by Labcorp Genetics (formerly Invitae), Labcorp and Ambry Genetics); PubMed 7704558 (cited by Labcorp Genetics (formerly Invitae), Labcorp and Ambry Genetics); PubMed 22963398 (cited by Labcorp Genetics (formerly Invitae), Labcorp); PubMed 24225018 (cited by Labcorp Genetics (formerly Invitae), Labcorp); PubMed 25754945 (cited by Labcorp Genetics (formerly Invitae), Labcorp and Ambry Genetics); PubMed 27155049 (cited by Labcorp Genetics (formerly Invitae), Labcorp); PubMed 12955724 (cited by Ambry Genetics); PubMed 16269091 (cited by Ambry Genetics); PubMed 19280657 (cited by Ambry Genetics); PubMed 25424699 (cited by Ambry Genetics); PubMed 26084579 (cited by Ambry Genetics); PubMed 7981694 (cited by Ambry Genetics); PubMed 28873162 (cited by Department of Pediatrics, Memorial Sloan Kettering Cancer Center).

NM_000321.3(RB1):c.763C>T (p.Arg255Ter)

Gene: RB1 (RB transcriptional corepressor 1; plus strand). Cytogenetic location: 13q14.2.
Variant type: single nucleotide variant.
Coding change: c.763C>T on transcript NM_000321.3 (MANE Select); coding-DNA position 763, C replaced by T.
Protein change: p.Arg255Ter; replaces arginine 255 with a stop codon.
Molecular consequence: nonsense.
Genome position (GRCh38, 1-based): chr13:48,362,859, C>T. VCF-style: chr13-48362859-C-T. GRCh37 (hg19) VCF-style: chr13-48936995-C-T.
Other names: L11910:g.59695C>T; short protein forms R255*.
Identifiers: ClinVar variation 126820 (VCV000126820.34), dbSNP rs587778842, ClinGen allele CA026466.